The following is an entry in ClinVar:

NM_133261.3(GIPC3):c.241C>T (p.Leu81Phe)

Gene: GIPC3 (GIPC PDZ domain containing family member 3; plus strand). Cytogenetic location: 19p13.3.
Variant type: single nucleotide variant.
Coding change: c.241C>T on transcript NM_133261.3 (MANE Select); coding-DNA position 241, C replaced by T.
Protein change: p.Leu81Phe; replaces leucine 81 with phenylalanine.
Molecular consequence: missense variant.
Genome position (GRCh38, 1-based): chr19:3,586,510, C>T. VCF-style: chr19-3586510-C-T. GRCh37 (hg19) VCF-style: chr19-3586508-C-T.
Other names: short protein forms L81F.
Identifiers: ClinVar variation 1303537 (VCV001303537.2), dbSNP rs1487341857, ClinGen allele CA403360929.

ClinVar aggregate classification (germline): Uncertain significance (1 of 4 stars; one submission).

Allele frequency attached by ClinVar (database versions not stated): gnomAD exomes below 0.00001; gnomAD 0.00001; TOPMed 0.00002.

Submission:

GeneDx
Classification: Uncertain significance. Last evaluated: 2020-10-02. Review status: criteria provided, single submitter. Criteria: GeneDx Variant Classification Process June 2021. Collection method: clinical testing. Allele origin: germline. Affected: yes.
Comment: In silico analysis supports that this missense variant has a deleterious effect on protein structure/function; This variant is associated with the following publications: (PMID: 26445815)